The following is an entry in ClinVar:

ClinVar aggregate classification (germline): Conflicting classifications of pathogenicity. Review status: criteria provided, conflicting classifications (1 of 4 stars). 4 submissions from 4 submitters: Uncertain significance (1); Benign (1); Likely benign (2). Last evaluated 2026-08-18.

Conditions:
DICER1-related tumor predisposition. Also called: DICER1 syndrome; DICER1-related pleuropulmonary blastoma cancer predisposition syndrome. Identifiers: Orphanet 284343, MedGen C3839822, MONDO:0100216.
Hereditary cancer-predisposing syndrome. Also called: Tumor predisposition; Neoplastic Syndromes, Hereditary; Hereditary Cancer Syndrome; Hereditary neoplastic syndrome. Identifiers: Orphanet 140162, MedGen C0027672, MeSH D009386, MONDO:0015356.

Allele frequency attached by ClinVar (database versions not stated): gnomAD exomes below 0.00001 and 0.00002; ExAC 0.00003; 1000 Genomes Project 30x 0.00016; gnomAD 0.00001; 1000 Genomes Project 0.00020.

Submissions (4):

Myriad Genetics, Inc.
Classification: Benign for DICER1-related tumor predisposition. Last evaluated: 2026-08-18. Review status: criteria provided, single submitter. Criteria: Myriad Autosomal Dominant, Autosomal Recessive and X-Linked Classification Criteria (2023). Collection method: clinical testing. Allele origin: unknown.
Comment: This variant is considered benign. This variant is a silent/synonymous amino acid change and it is not expected to impact splicing.

Labcorp Genetics (formerly Invitae), Labcorp
Classification: Likely benign for DICER1-related tumor predisposition. Last evaluated: 2025-09-14. Review status: criteria provided, single submitter. Criteria: Invitae Variant Classification Sherloc (09022015). Collection method: clinical testing. Allele origin: germline.

Quest Diagnostics Nichols Institute San Juan Capistrano
Classification: Uncertain significance. Last evaluated: 2022-11-23. Review status: criteria provided, single submitter. Criteria: Quest Diagnostics criteria. Collection method: clinical testing. Allele origin: unknown.
Comment: To the best of our knowledge, the variant has not been reported in the published literature. The frequency of this variant in the general population, 0.00022 (4/18388 chromosomes), is uninformative in assessment of its pathogenicity. Analysis of this variant using software algorithms for the prediction of the effect of nucleotide changes on splicing yielded predictions that this variant does not affect DICER1 mRNA splicing . Based on the available information, we are unable to determine the clinical significance of this variant.

Ambry Genetics
Classification: Likely benign for Hereditary cancer-predisposing syndrome. Last evaluated: 2019-02-22. Review status: criteria provided, single submitter. Criteria: Ambry Variant Classification Scheme 2023. Collection method: clinical testing. Allele origin: germline.

NM_177438.3(DICER1):c.2478C>A (p.Thr826=)

Gene: DICER1 (dicer 1, ribonuclease III; minus strand). Cytogenetic location: 14q32.13.
Variant type: single nucleotide variant.
Coding change: c.2478C>A on transcript NM_177438.3 (MANE Select); coding-DNA position 2478, C replaced by A.
Protein change: p.Thr826=; no amino-acid change (threonine 826 retained).
Molecular consequence: synonymous variant.
Genome position (GRCh38, 1-based): chr14:95,108,052, G>T on the plus strand (C>A on the coding strand, the complement: DICER1 is on the minus strand). VCF-style: chr14-95108052-G-T. GRCh37 (hg19) VCF-style: chr14-95574389-G-T.
Other names: c.2478C>A, p.Thr826= (NM_001195573.1, NM_001271282.3, NM_001291628.2 and 1 more transcripts).
Identifiers: ClinVar variation 543681 (VCV000543681.19), dbSNP rs543843695, ClinGen allele CA7331231.